The following is an entry in ClinVar:

ClinVar aggregate classification (germline): Conflicting classifications of pathogenicity. Review status: criteria provided, conflicting classifications (1 of 4 stars). 2 submissions from 2 submitters: Likely pathogenic (1); Uncertain significance (1). Last evaluated 2024-10-08.

Conditions:
SOD1-related disorder. Also called: SOD1-related condition.
Amyotrophic lateral sclerosis type 1 (ALS1). Also called: AMYOTROPHIC LATERAL SCLEROSIS 1, FAMILIAL. Identifiers: Orphanet 803, MedGen C1862939, MONDO:0007103, OMIM 105400.

Submissions (2):

PreventionGenetics, part of Exact Sciences
Classification: Uncertain significance for SOD1-related condition. Last evaluated: 2024-10-08. Review status: criteria provided, single submitter. Criteria: ACMG Guidelines, 2015. Collection method: clinical testing. Allele origin: germline.
Comment: The SOD1 c.425G>T variant is predicted to result in the amino acid substitution p.Gly142Val. To our knowledge, this variant has not been reported in the literature or a large population database (gnomAD), indicating this variant is rare. Alternate nucleotide changes affecting the same amino acid (Gly142Arg, Gly142Glu, p.Gly142Ala) have been reported in individuals affected with SOD1 related disorders (Akimoto et al. 2011. PubMed ID: 21603025; Ioannides et al. 2016. PubMed ID: 26341325; Sato et al. 2004. PubMed ID: 14759637). Although we suspect that this variant may be pathogenic, at this time, the clinical significance of this variant is uncertain due to the absence of conclusive functional and genetic evidence.

Labcorp Genetics (formerly Invitae), Labcorp
Classification: Likely pathogenic for Amyotrophic lateral sclerosis type 1. Last evaluated: 2022-07-06. Review status: criteria provided, single submitter. Criteria: Invitae Variant Classification Sherloc (09022015). Collection method: clinical testing. Allele origin: germline.
Comment: In summary, the currently available evidence indicates that the variant is pathogenic, but additional data are needed to prove that conclusively. Therefore, this variant has been classified as Likely Pathogenic. This variant disrupts the p.Gly142 amino acid residue in SOD1. Other variant(s) that disrupt this residue have been determined to be pathogenic (PMID: 32166880, 32174179, 32729724). This suggests that this residue is clinically significant, and that variants that disrupt this residue are likely to be disease-causing. Advanced modeling of protein sequence and biophysical properties (such as structural, functional, and spatial information, amino acid conservation, physicochemical variation, residue mobility, and thermodynamic stability) performed at Invitae indicates that this missense variant is expected to disrupt SOD1 protein function. This variant has not been reported in the literature in individuals affected with SOD1-related conditions. This variant is not present in population databases (gnomAD no frequency). This sequence change replaces glycine, which is neutral and non-polar, with valine, which is neutral and non-polar, at codon 142 of the SOD1 protein (p.Gly142Val).

Literature cited by the submitters: PubMed 32166880 (cited by Labcorp Genetics (formerly Invitae), Labcorp); PubMed 32174179 (cited by Labcorp Genetics (formerly Invitae), Labcorp); PubMed 32729724 (cited by Labcorp Genetics (formerly Invitae), Labcorp).

NM_000454.5(SOD1):c.425G>T (p.Gly142Val)

Gene: SOD1 (superoxide dismutase 1; plus strand). Cytogenetic location: 21q22.11.
Variant type: single nucleotide variant.
Coding change: c.425G>T on transcript NM_000454.5 (MANE Select); coding-DNA position 425, G replaced by T.
Protein change: p.Gly142Val; replaces glycine 142 with valine.
Molecular consequence: missense variant.
Genome position (GRCh38, 1-based): chr21:31,668,538, G>T. VCF-style: chr21-31668538-G-T. GRCh37 (hg19) VCF-style: chr21-33040851-G-T.
Other names: short protein forms G142V.
Identifiers: ClinVar variation 2000951 (VCV002000951.5), dbSNP rs1568811489, ClinGen allele CA410037777.